The following is an entry in ClinVar:

ClinVar aggregate classification (germline): Likely benign. Review status: criteria provided, multiple submitters, no conflicts (2 of 4 stars). 2 submissions from 2 submitters: Likely benign (2). Last evaluated 2025-09-01.

Conditions:
Severe combined immunodeficiency, autosomal recessive, T cell-negative, B cell-negative, NK cell-positive. Also called: SCID, T CELL-NEGATIVE, B CELL-NEGATIVE, NK CELL-POSITIVE; SCID, AR, T-cell negative, B-cell negative, NK cell-positive; Severe combined immunodeficiency due to complete RAG1/2 deficiency. Identifiers: Orphanet 331206, MedGen C1832322, MONDO:0011086, OMIM 601457.
Combined immunodeficiency with skin granulomas. Identifiers: Orphanet 157949, MedGen C2673536, MONDO:0009306, OMIM 233650.

Allele frequency attached by ClinVar (database versions not stated): TOPMed below 0.00001; gnomAD exomes 0.00002; ExAC 0.00004.
gnomAD v4.1: 23 of 1,614,210 alleles (0.0014%); highest among the groups gnomAD compares: South Asian, 0.024%; no homozygotes.

Submissions (2):

CeGaT Center for Human Genetics Tuebingen
Classification: Likely benign. Last evaluated: 2025-09-01. Review status: criteria provided, single submitter. Criteria: CeGaT Center For Human Genetics Tuebingen Variant Classification Criteria Version 2. Collection method: clinical testing. Allele origin: germline. Affected: yes. Observed: 1 variant allele.
Comment: RAG1: BP4, BP7

Labcorp Genetics (formerly Invitae), Labcorp
Classification: Likely benign for Combined immunodeficiency with skin granulomas; Severe combined immunodeficiency, autosomal recessive, T cell-negative, B cell-negative, NK cell-positive. Last evaluated: 2025-04-02. Review status: criteria provided, single submitter. Criteria: Invitae Variant Classification Sherloc (09022015). Collection method: clinical testing. Allele origin: germline.

NM_000448.3(RAG1):c.1866A>C (p.Ala622=)

Gene: RAG1 (recombination activating 1; plus strand). Cytogenetic location: 11p12.
Variant type: single nucleotide variant.
Coding change: c.1866A>C on transcript NM_000448.3 (MANE Select); coding-DNA position 1866, A replaced by C.
Protein change: p.Ala622=; no amino-acid change (alanine 622 retained).
Molecular consequence: synonymous variant.
Genome position (GRCh38, 1-based): chr11:36,575,170, A>C. VCF-style: chr11-36575170-A-C. GRCh37 (hg19) VCF-style: chr11-36596720-A-C.
Other names: c.1866A>C, p.Ala622= (NM_001377277.1, NM_001377278.1, NM_001377279.1 and 1 more transcripts).
Identifiers: ClinVar variation 2189381 (VCV002189381.11), dbSNP rs752919103, ClinGen allele CA5950192.